The following is an entry in ClinVar:

ClinVar aggregate classification (germline): Likely benign (0 of 4 stars; one submission).

Conditions:
ARHGEF28-related disorder. Also called: ARHGEF28-related condition.

Allele frequency attached by ClinVar (database versions not stated): TOPMed 0.00022; gnomAD 0.00023; ExAC 0.00025.
gnomAD v4.1: 669 of 1,510,216 alleles (0.044%); highest among the groups gnomAD compares: Non-Finnish European, 0.057%; no homozygotes.

Submission:

PreventionGenetics, part of Exact Sciences
Classification: Likely benign for ARHGEF28-related condition. Last evaluated: 2023-06-23. Review status: no assertion criteria provided. Collection method: clinical testing. Allele origin: germline.
Comment: This variant is classified as likely benign based on ACMG/AMP sequence variant interpretation guidelines (Richards et al. 2015 PMID: 25741868, with internal and published modifications).

NM_001177693.2(ARHGEF28):c.2871T>C (p.His957=)

Gene: ARHGEF28 (Rho guanine nucleotide exchange factor 28; plus strand). Cytogenetic location: 5q13.2.
Variant type: single nucleotide variant.
Coding change: c.2871T>C on transcript NM_001177693.2 (MANE Select); coding-DNA position 2871, T replaced by C.
Protein change: p.His957=; no amino-acid change (histidine 957 retained).
Molecular consequence: synonymous variant.
Genome position (GRCh38, 1-based): chr5:73,882,528, T>C. VCF-style: chr5-73882528-T-C. GRCh37 (hg19) VCF-style: chr5-73178353-T-C.
Other names: c.2871T>C, p.His957= (NM_001080479.3, NM_001388078.1); c.1932T>C, p.His644= (NM_001244364.2); c.2577T>C, p.His859= (NM_001388076.1).
Identifiers: ClinVar variation 3051247 (VCV003051247.2), dbSNP rs771745276, ClinGen allele CA3304955.